The following is an entry in ClinVar:

ClinVar aggregate classification (germline): Likely benign (1 of 4 stars; one submission).

Submission:

CeGaT Center for Human Genetics Tuebingen
Classification: Likely benign. Last evaluated: 2026-02-01. Review status: criteria provided, single submitter. Criteria: CeGaT Center For Human Genetics Tuebingen Variant Classification Criteria Version 2. Collection method: clinical testing. Allele origin: germline. Affected: yes. Observed: 1 variant allele.
Comment: STRN4: BP4, BP7

NM_013403.3(STRN4):c.168C>T (p.Pro56=)

Genes: FKRP (fukutin related protein; plus strand), STRN4 (striatin 4; minus strand). Cytogenetic location: 19q13.32.
Variant type: single nucleotide variant.
Coding change: c.168C>T on transcript NM_013403.3 (MANE Select); coding-DNA position 168, C replaced by T.
Protein change: p.Pro56=; no amino-acid change (proline 56 retained).
Molecular consequence: synonymous variant. On other transcripts: intron variant (2).
Genome position (GRCh38, 1-based): chr19:46,746,263, G>A on the plus strand (C>T on the coding strand, the complement: STRN4 is on the minus strand). VCF-style: chr19-46746263-G-A. GRCh37 (hg19) VCF-style: chr19-47249520-G-A.
Other names: c.168C>T, p.Pro56= (NM_001039877.2); c.-305+173G>A (NM_001039885.3); c.-253+173G>A (NM_024301.5).
Identifiers: ClinVar variation 4823559 (VCV004823559.4).
Genomic context (GRCh38, chr19:46,746,263, plus strand): 5'-CCACTCGTGCTGGATAAAGTGCAGGATCCCCGGCAGGCTCAGGGGCTCCGGGCCCGCCGT[G>A]GGCCCGGGGCTGCCTCCGCCGCCGCCTCCCTTACCTGCCGGGCCCGGCCCGGGGGCAGGG-3'
Protein context (NP_037535.2, residues 46-66): KGGGGGGSPG[Pro56=]TAGPEPLSLP